The following is an entry in ClinVar:

NM_001356.5(DDX3X):c.392C>G (p.Ser131Ter)

Gene: DDX3X (DEAD-box helicase 3 X-linked; plus strand). Cytogenetic location: Xp11.4.
Variant type: single nucleotide variant.
Coding change: c.392C>G on transcript NM_001356.5 (MANE Select); coding-DNA position 392, C replaced by G.
Protein change: p.Ser131Ter; replaces serine 131 with a stop codon.
Molecular consequence: nonsense. On other transcripts: 5 prime UTR variant (1), non-coding transcript variant (1).
Genome position (GRCh38, 1-based): chrX:41,342,602, C>G. VCF-style: chrX-41342602-C-G. GRCh37 (hg19) VCF-style: chrX-41201855-C-G.
Other names: c.-167C>G (NM_001363819.1); c.392C>G, p.Ser131Ter (NM_001193416.3); c.344C>G, p.Ser115Ter (NM_001193417.3); short protein forms S115*, S131*.
Identifiers: ClinVar variation 3254978 (VCV003254978.2), dbSNP rs2519508924.

ClinVar aggregate classification (germline): Pathogenic. Review status: criteria provided, multiple submitters, no conflicts (2 of 4 stars). 2 submissions from 2 submitters: Pathogenic (2). Last evaluated 2025-12-31.

Conditions:
Intellectual disability, X-linked 102 (MRXSSB). Also called: Intellectual developmental disorder, X-linked syndromic, Snijders Blok type. Identifiers: Orphanet 457260, MedGen C5393299, MONDO:0010497, OMIM 300958.

Submissions (2):

Dasa
Classification: Pathogenic. Last evaluated: 2025-12-31. Review status: criteria provided, single submitter. Criteria: DASA Assertion Criteria. Collection method: clinical testing. Allele origin: germline.
Comment: NM_001356.5(DDX3X):c.392C>G (p.Ser131*) introduces a premature termination codon predicted to result in loss of normal protein function. Loss-of-function is an established mechanism of disease for this gene. This variant has been reported in individuals with related phenotype. The variant is present at low frequency in population datasets. Based on the available data, this variant is classified as pathogenic.

Victorian Clinical Genetics Services, Murdoch Childrens Research Institute
Classification: Pathogenic for Intellectual disability, X-linked 102. Last evaluated: 2023-12-21. Review status: criteria provided, single submitter. Criteria: ACMG Guidelines, 2015. Collection method: clinical testing. Allele origin: germline. Inheritance: X-linked dominant inheritance. Affected: yes.
Comment: Based on the classification scheme VCGS_Germline_v1.3.4, this variant is classified as Pathogenic. Following criteria are met: 0102 - Loss of function is a known mechanism of disease in this gene and is associated with Snijders Blok-type X-linked syndromic intellectual developmental disorder (MIM#300958). (I) 0110 - This gene is associated with X-linked dominant disease. Females may or may not be symptomatic (OMIM). (I) 0201 - Variant is predicted to cause nonsense-mediated decay (NMD) and loss of protein (premature termination codon is located at least 54 nucleotides upstream of the final exon-exon junction). (SP) 0251 - This variant is heterozygous. (I) 0301 - Variant is absent from gnomAD (both v2 and v3). (SP) 0701 - Other NMD predicted variants comparable to the one identified in this case have very strong previous evidence for pathogenicity (DECIPHER). (SP) 0807 - This variant has no previous evidence of pathogenicity. (I) 0905 - No published segregation evidence has been identified for this variant. (I) 1007 - No published functional evidence has been identified for this variant. (SP) Legend: (SP) - Supporting pathogenic, (I) - Information, (SB) - Supporting benign